The following is an entry in ClinVar:

NM_001943.5(DSG2):c.1820A>G (p.Tyr607Cys)

Gene: DSG2 (desmoglein 2; plus strand). Cytogenetic location: 18q12.1.
Variant type: single nucleotide variant.
Coding change: c.1820A>G on transcript NM_001943.5 (MANE Select); coding-DNA position 1820, A replaced by G.
Protein change: p.Tyr607Cys; replaces tyrosine 607 with cysteine.
Molecular consequence: missense variant.
Genome position (GRCh38, 1-based): chr18:31,538,919, A>G. VCF-style: chr18-31538919-A-G. GRCh37 (hg19) VCF-style: chr18-29118882-A-G.
Other names: short protein forms Y607C.
Identifiers: ClinVar variation 861548 (VCV000861548.12), dbSNP rs766843045, ClinGen allele CA043775.

ClinVar aggregate classification (germline): Uncertain significance. Review status: criteria provided, multiple submitters, no conflicts (2 of 4 stars). 4 submissions from 4 submitters: Uncertain significance (4). Last evaluated 2025-08-28.

Conditions:
Cardiovascular phenotype. Identifiers: MedGen CN230736.
Arrhythmogenic right ventricular cardiomyopathy (ARVD). Also called: Cardiomyopathy, ARVC; Arrhythmogenic right ventricular dysplasia; Arrhythmogenic cardiomyopathy; Arrhythmogenic Right Ventricular Cardiomyopathy (ARVC). Identifiers: Orphanet 247, MedGen C0349788, MeSH D019571, MONDO:0016587. Disease mechanism: loss of function. Inheritance: Various modes of inheritance.
Arrhythmogenic right ventricular dysplasia 10. Also called: Arrhythmogenic Right Ventricular Dysplasia/Cardiomyopathy10; ARRHYTHMOGENIC RIGHT VENTRICULAR DYSPLASIA, FAMILIAL, 10; Arrhythmogenic right ventricular dysplasia/cardiomyopathy, type 10. Identifiers: MedGen C1857777, MONDO:0012434, OMIM 610193.
Dilated cardiomyopathy 1BB (CMD1BB). Also called: CARDIOMYOPATHY, DILATED, 1BB, SUSCEPTIBILITY TO. Identifiers: Orphanet 154, MedGen C2752072, MONDO:0013030, OMIM 612877.

Allele frequency attached by ClinVar (database versions not stated): ExAC 0.00002; gnomAD exomes 0.00002; TOPMed 0.00005.
gnomAD v4.1: 25 of 1,613,982 alleles (0.0015%); highest among the groups gnomAD compares: African/African-American, 0.011%; no homozygotes.

Submissions (4):

Ambry Genetics
Classification: Uncertain significance for Cardiovascular phenotype. Last evaluated: 2025-08-28. Review status: criteria provided, single submitter. Criteria: Ambry Variant Classification Scheme 2023. Collection method: clinical testing. Allele origin: germline.
Comment: The p.Y607C variant (also known as c.1820A>G), located in coding exon 12 of the DSG2 gene, results from an A to G substitution at nucleotide position 1820. The tyrosine at codon 607 is replaced by cysteine, an amino acid with highly dissimilar properties. This variant was detected in a cardiomyopathy/arrhythmia genetic testing cohort; however, clinical details were limited, and additional cardiac variants were detected in some cases (van Lint FHM et al. Neth Heart J, 2019 Jun;27:304-309). This amino acid position is not well conserved in available vertebrate species. In addition, the in silico prediction for this alteration is inconclusive. Based on the available evidence, the clinical significance of this variant remains unclear.

All of Us Research Program, National Institutes of Health
Classification: Uncertain significance for Arrhythmogenic right ventricular cardiomyopathy. Last evaluated: 2024-07-20. Review status: criteria provided, single submitter. Criteria: ACMG Guidelines, 2015. Collection method: clinical testing. Allele origin: germline. Inheritance: Autosomal dominant inheritance. Observed: 4 variant alleles, 4 heterozygotes.
Comment: This missense variant replaces tyrosine with cysteine at codon 607 of the DSG2 protein. Computational prediction suggests that this variant may not impact protein structure and function (internally defined REVEL score threshold <= 0.5, PMID: 27666373). To our knowledge, functional studies have not been reported for this variant. This variant has been reported in an individual suspected of having hypertrophic cardiomyopathy (PMID: 30847666). This variant has been identified in 6/280510 chromosomes in the general population by the Genome Aggregation Database (gnomAD). The available evidence is insufficient to determine the role of this variant in disease conclusively. Therefore, this variant is classified as a Variant of Uncertain Significance.

This study involves interpretation of variants in research participants for the purpose of population health screening. Participant phenotype was not available at the time of variant classification. Additional details can be found in publication PMID: 35346344, PMCID: PMC8962531

Labcorp Genetics (formerly Invitae), Labcorp
Classification: Uncertain significance for Arrhythmogenic right ventricular dysplasia 10. Last evaluated: 2024-03-07. Review status: criteria provided, single submitter. Criteria: Invitae Variant Classification Sherloc (09022015). Collection method: clinical testing. Allele origin: germline.
Comment: This sequence change replaces tyrosine, which is neutral and polar, with cysteine, which is neutral and slightly polar, at codon 607 of the DSG2 protein (p.Tyr607Cys). This variant is present in population databases (rs766843045, gnomAD 0.02%). This missense change has been observed in individual(s) with clinical features of DSG2-related conditions (PMID: 30847666). ClinVar contains an entry for this variant (Variation ID: 861548). Advanced modeling of protein sequence and biophysical properties (such as structural, functional, and spatial information, amino acid conservation, physicochemical variation, residue mobility, and thermodynamic stability) performed at Invitae indicates that this missense variant is not expected to disrupt DSG2 protein function with a negative predictive value of 95%. In summary, the available evidence is currently insufficient to determine the role of this variant in disease. Therefore, it has been classified as a Variant of Uncertain Significance.

Fulgent Genetics
Classification: Uncertain significance for Arrhythmogenic right ventricular dysplasia 10; Dilated cardiomyopathy 1BB. Last evaluated: 2021-08-25. Review status: criteria provided, single submitter. Criteria: ACMG Guidelines, 2015. Collection method: clinical testing. Allele origin: unknown.

Literature cited by the submitters: PubMed 30847666 (cited by 3 submitters).